The following is an entry in ClinVar:

ClinVar aggregate classification (germline): Uncertain significance (1 of 4 stars; one submission).

gnomAD v4.1: 4 of 1,614,048 alleles (0.00025%); highest among the groups gnomAD compares: African/African-American, 0.0013%; no homozygotes.

Submission:

Labcorp Genetics (formerly Invitae), Labcorp
Classification: Uncertain significance. Last evaluated: 2025-02-27. Review status: criteria provided, single submitter. Criteria: Invitae Variant Classification Sherloc (09022015). Collection method: clinical testing. Allele origin: germline.
Comment: This sequence change replaces alanine, which is neutral and non-polar, with valine, which is neutral and non-polar, at codon 652 of the CTNNB1 protein (p.Ala652Val). This variant is present in population databases (no rsID available, gnomAD 0.01%). This variant has not been reported in the literature in individuals affected with CTNNB1-related conditions. An algorithm developed to predict the effect of missense changes on protein structure and function (PolyPhen-2) suggests that this variant is likely to be tolerated. In summary, the available evidence is currently insufficient to determine the role of this variant in disease. Therefore, it has been classified as a Variant of Uncertain Significance.

NM_001904.4(CTNNB1):c.1955C>T (p.Ala652Val)

Gene: CTNNB1 (catenin beta 1; plus strand). Cytogenetic location: 3p22.1.
Variant type: single nucleotide variant.
Coding change: c.1955C>T on transcript NM_001904.4 (MANE Select); coding-DNA position 1955, C replaced by T.
Protein change: p.Ala652Val; replaces alanine 652 with valine.
Molecular consequence: missense variant.
Genome position (GRCh38, 1-based): chr3:41,236,588, C>T. VCF-style: chr3-41236588-C-T. GRCh37 (hg19) VCF-style: chr3-41278079-C-T.
Other names: c.1955C>T, p.Ala652Val (NM_001438872.1, NM_001438873.1, NM_001438874.1 and 4 more transcripts); c.1934C>T, p.Ala645Val (NM_001330729.2); short protein forms A645V, A652V.
Identifiers: ClinVar variation 4763271 (VCV004763271.1).